The following is an entry in ClinVar:

ClinVar aggregate classification (germline): Benign/Likely benign. Review status: criteria provided, multiple submitters, no conflicts (2 of 4 stars). 4 submissions from 4 submitters: Benign (2); Likely benign (1). 1 of the submissions does not count toward it. Last evaluated 2026-01-06.

Conditions:
SAMD11-related disorder. Also called: SAMD11-related condition.

Allele frequency attached by ClinVar (database versions not stated): ESP Exome Variant Server 0.00115; gnomAD 0.00121 and 0.00151; TOPMed 0.00130; gnomAD exomes 0.00173 and 0.00194; ExAC 0.00203; 1000 Genomes Project 0.00280; 1000 Genomes Project 30x 0.00281.

Submissions (4):

Labcorp Genetics (formerly Invitae), Labcorp
Classification: Benign. Last evaluated: 2026-01-06. Review status: criteria provided, single submitter. Criteria: Invitae Variant Classification Sherloc (09022015). Collection method: clinical testing. Allele origin: germline.

Blueprint Genetics
Classification: Likely benign. Last evaluated: 2024-11-13. Review status: criteria provided, single submitter. Criteria: ACMG Guidelines, 2015. Collection method: clinical testing. Allele origin: germline.

Breakthrough Genomics
Classification: Benign. Review status: criteria provided, single submitter. Criteria: ACMG Guidelines, 2015. Collection method: not provided. Allele origin: germline. Inheritance: Unknown mechanism. Affected: yes.

PreventionGenetics, part of Exact Sciences
Classification: Likely benign for SAMD11-related condition. Last evaluated: 2019-05-06. Review status: no assertion criteria provided. Collection method: clinical testing. Allele origin: germline. Not counted in ClinVar's aggregate classification.
Comment: This variant is classified as likely benign based on ACMG/AMP sequence variant interpretation guidelines (Richards et al. 2015 PMID: 25741868, with internal and published modifications).

NM_001385641.1(SAMD11):c.1137C>T (p.Ser379=)

Gene: SAMD11 (sterile alpha motif domain containing 11; plus strand). Cytogenetic location: 1p36.33.
Variant type: single nucleotide variant.
Coding change: c.1137C>T on transcript NM_001385641.1 (MANE Select); coding-DNA position 1137, C replaced by T.
Protein change: p.Ser379=; no amino-acid change (serine 379 retained).
Molecular consequence: synonymous variant.
Genome position (GRCh38, 1-based): chr1:939,354, C>T. VCF-style: chr1-939354-C-T. GRCh37 (hg19) VCF-style: chr1-874734-C-T.
Other names: c.1140C>T, p.Ser380= (NM_001385640.1); c.600C>T, p.Ser200= (NM_152486.4); c.600C>T (NM_152486.2).
Identifiers: ClinVar variation 1165631 (VCV001165631.13), dbSNP rs145967298, ClinGen allele CA502716.
Genomic context (GRCh38, chr1:939,354, plus strand): 5'-GGAGCTGGGGCCCAGCATGGCCCCGGAGGACCATTACCGCCGGCTTGTGTCAGCACTGAG[C>T]GAGGCCAGCACCTTTGAGGACCCTCAGCGCCTCTACCACCTGGGCCTCCCCAGCCACGGT-3'
Protein context (NP_001372570.1, residues 369-389): DHYRRLVSAL[Ser379=]EASTFEDPQR